The following is an entry in ClinVar:

ClinVar aggregate classification (germline): Likely benign. Review status: criteria provided, multiple submitters, no conflicts (2 of 4 stars). 2 submissions from 2 submitters: Likely benign (2). Last evaluated 2025-10-04.

Conditions:
CACNA1D-related disorder.

Allele frequency attached by ClinVar (database versions not stated): ExAC 0.00002; gnomAD 0.00002 and 0.00003; gnomAD exomes 0.00004; TOPMed 0.00002.
gnomAD v4.1: 155 of 1,612,630 alleles (0.0096%); highest among the groups gnomAD compares: East Asian, 0.025%; no homozygotes.

Submissions (2):

Labcorp Genetics (formerly Invitae), Labcorp
Classification: Likely benign. Last evaluated: 2025-10-04. Review status: criteria provided, single submitter. Criteria: Invitae Variant Classification Sherloc (09022015). Collection method: clinical testing. Allele origin: germline.

PreventionGenetics, part of Exact Sciences
Classification: Likely benign for CACNA1D-related condition. Last evaluated: 2025-03-17. Review status: criteria provided, single submitter. Criteria: ACMG Guidelines, 2015. Collection method: clinical testing. Allele origin: germline.
Comment: This variant is classified as likely benign based on ACMG/AMP sequence variant interpretation guidelines (Richards et al. 2015 PMID: 25741868, with internal and published modifications).

NM_001128840.3(CACNA1D):c.3021C>T (p.Cys1007=)

Gene: CACNA1D (calcium voltage-gated channel subunit alpha1 D; plus strand). Cytogenetic location: 3p21.1.
Variant type: single nucleotide variant.
Coding change: c.3021C>T on transcript NM_001128840.3 (MANE Select); coding-DNA position 3021, C replaced by T.
Protein change: p.Cys1007=; no amino-acid change (cysteine 1007 retained).
Molecular consequence: synonymous variant.
Genome position (GRCh38, 1-based): chr3:53,745,638, C>T. VCF-style: chr3-53745638-C-T. GRCh37 (hg19) VCF-style: chr3-53779665-C-T.
Other names: c.3081C>T, p.Cys1027= (NM_000720.4); c.3021C>T, p.Cys1007= (NM_001128839.3).
Identifiers: ClinVar variation 741026 (VCV000741026.8), dbSNP rs770555402, ClinGen allele CA2454434.
Genomic context (GRCh38, chr3:53,745,638, plus strand): 5'-GGCCAAAATCACAAAGAAGAGTCACGCCCCTCTGCCCTCTCCGCAGCACGTGGTCCAGTG[C>T]GTCTTCGTGGCCATCCGGACCATCGGCAACATCATGATCGTCACCACCCTCCTGCAGTTC-3'
Protein context (NP_001122312.1, residues 997-1017): RAKGLKHVVQ[Cys1007=]VFVAIRTIGN